The following is an entry in ClinVar:

ClinVar aggregate classification (germline): Conflicting classifications of pathogenicity. Review status: criteria provided, conflicting classifications (1 of 4 stars). 2 submissions from 2 submitters: Uncertain significance (1); Likely benign (1). Last evaluated 2025-12-09.

Conditions:
Inborn genetic diseases. Identifiers: MedGen C0950123, MeSH D030342.

Allele frequency attached by ClinVar (database versions not stated): gnomAD exomes below 0.00001; gnomAD 0.00001.
gnomAD v4.1: 2 of 1,613,162 alleles (0.00012%); highest among the groups gnomAD compares: South Asian, 0.0011%; no homozygotes.

Submissions (2):

Labcorp Genetics (formerly Invitae), Labcorp
Classification: Likely benign. Last evaluated: 2025-12-09. Review status: criteria provided, single submitter. Criteria: Invitae Variant Classification Sherloc (09022015). Collection method: clinical testing. Allele origin: germline.

Ambry Genetics
Classification: Uncertain significance for Inborn genetic diseases. Last evaluated: 2025-09-07. Review status: criteria provided, single submitter. Criteria: Ambry Variant Classification Scheme 2023. Collection method: clinical testing. Allele origin: germline.
Comment: The p.A370V variant (also known as c.1109C>T), located in coding exon 1 of the SAMD9 gene, results from a C to T substitution at nucleotide position 1109. The alanine at codon 370 is replaced by valine, an amino acid with similar properties. This amino acid position is conserved. In addition, this alteration is predicted to be tolerated by in silico analysis. Based on the available evidence, the clinical significance of this variant remains unclear.

NM_017654.4(SAMD9):c.1109C>T (p.Ala370Val)

Gene: SAMD9 (sterile alpha motif domain containing 9; minus strand). Cytogenetic location: 7q21.2.
Variant type: single nucleotide variant.
Coding change: c.1109C>T on transcript NM_017654.4 (MANE Select); coding-DNA position 1109, C replaced by T.
Protein change: p.Ala370Val; replaces alanine 370 with valine.
Molecular consequence: missense variant.
Genome position (GRCh38, 1-based): chr7:93,104,989, G>A on the plus strand (C>T on the coding strand, the complement: SAMD9 is on the minus strand). VCF-style: chr7-93104989-G-A. GRCh37 (hg19) VCF-style: chr7-92734302-G-A.
Other names: c.1109C>T, p.Ala370Val (NM_001193307.2); c.1109C>T (NM_017654.3); short protein forms A370V.
Identifiers: ClinVar variation 1657104 (VCV001657104.9), dbSNP rs1791606733, ClinGen allele CA368202079.